The following is an entry in ClinVar:

NM_002160.4(TNC):c.6494A>G (p.Gln2165Arg)

Gene: TNC (tenascin C; minus strand). Cytogenetic location: 9q33.1.
Variant type: single nucleotide variant.
Coding change: c.6494A>G on transcript NM_002160.4 (MANE Select); coding-DNA position 6494, A replaced by G.
Protein change: p.Gln2165Arg; replaces glutamine 2165 with arginine.
Molecular consequence: missense variant.
Genome position (GRCh38, 1-based): chr9:115,023,974, T>C on the plus strand (A>G on the coding strand, the complement: TNC is on the minus strand). VCF-style: chr9-115023974-T-C. GRCh37 (hg19) VCF-style: chr9-117786253-T-C.
Other names: short protein forms Q2165R.
Identifiers: ClinVar variation 637026 (VCV000637026.3), dbSNP rs200330029, ClinGen allele CA5207363.

ClinVar aggregate classification (germline): Conflicting classifications of pathogenicity. Review status: criteria provided, conflicting classifications (1 of 4 stars). 3 submissions from 3 submitters: Uncertain significance (2); Likely benign (1). Last evaluated 2024-10-15.

Conditions:
Autosomal dominant nonsyndromic hearing loss 56. Also called: Deafness, autosomal dominant 56. Identifiers: Orphanet 90635, MedGen C3810170, MONDO:0014283, OMIM 615629.

Allele frequency attached by ClinVar (database versions not stated): TOPMed 0.00005; gnomAD exomes 0.00011 and 0.00021; ESP Exome Variant Server 0.00015; ExAC 0.00020.
gnomAD v4.1: 175 of 1,613,478 alleles (0.011%); highest among the groups gnomAD compares: South Asian, 0.13%; no homozygotes.

Submissions (3):

Blueprint Genetics
Classification: Likely benign. Last evaluated: 2024-10-15. Review status: criteria provided, single submitter. Criteria: ACMG Guidelines, 2015. Collection method: clinical testing. Allele origin: germline.

Women's Health and Genetics/Laboratory Corporation of America, LabCorp
Classification: Uncertain significance. Last evaluated: 2023-10-16. Review status: criteria provided, single submitter. Criteria: LabCorp Variant Classification Summary - May 2015. Collection method: clinical testing. Allele origin: germline.
Comment: Variant summary: TNC c.6494A>G (p.Gln2165Arg) results in a conservative amino acid change located in the Fibrinogen, alpha/beta/gamma chain, C-terminal globular domain (IPR002181) of the encoded protein sequence. Four of five in-silico tools predict a damaging effect of the variant on protein function. The variant alters the second to last nucleotide of exon 27 adjacent to the intron 27 splice donor site. Consensus agreement among computation tools predict no significant impact on normal splicing. However, these predictions have yet to be confirmed by functional studies. The variant allele was found at a frequency of 0.00021 in 250754 control chromosomes, predominantly at a frequency of 0.0014 within the South Asian subpopulation in the gnomAD database. To our knowledge, no occurrence of c.6494A>G in individuals affected with Deafness, Autosomal Dominant 56 and no experimental evidence demonstrating its impact on protein function have been reported. One submitter has cited clinical-significance assessments for this variant to ClinVar after 2014 and has classified the variant as uncertain significance. Based on the evidence outlined above, the variant was classified as VUS-possibly benign.

Laboratory of Medical Genetics, National & Kapodistrian University of Athens
Classification: Uncertain significance for Autosomal dominant nonsyndromic hearing loss 56. Last evaluated: 2018-03-05. Review status: criteria provided, single submitter. Criteria: ACMG Guidelines, 2015. Collection method: clinical testing. Allele origin: germline. Affected: yes.
Comment: PP3